The following is an entry in ClinVar:

ClinVar aggregate classification (germline): Likely benign (1 of 4 stars; one submission).

Allele frequency attached by ClinVar (database versions not stated): gnomAD exomes 0.00001; ExAC 0.00001; gnomAD 0.00001; TOPMed 0.00002.
gnomAD v4.1: 15 of 1,612,212 alleles (0.00093%); highest among the groups gnomAD compares: Middle Eastern, 0.082%; no homozygotes.

Submission:

GeneDx
Classification: Likely benign. Last evaluated: 2018-03-22. Review status: criteria provided, single submitter. Criteria: GeneDx Variant Classification (06012015). Collection method: clinical testing. Allele origin: germline. Affected: yes.
Comment: This variant is considered likely benign or benign based on one or more of the following criteria: it is a conservative change, it occurs at a poorly conserved position in the protein, it is predicted to be benign by multiple in silico algorithms, and/or has population frequency not consistent with disease.

NM_000110.4(DPYD):c.2179+4A>G

Genes: DPYD-AS1 (DPYD antisense RNA 1; plus strand), DPYD (dihydropyrimidine dehydrogenase; minus strand). Cytogenetic location: 1p21.3.
Variant type: single nucleotide variant.
Coding change: c.2179+4A>G on transcript NM_000110.4 (MANE Select); 4 bases into the intron after coding-DNA position 2179, A replaced by G.
Molecular consequence: intron variant.
Genome position (GRCh38, 1-based): chr1:97,306,173, T>C on the plus strand (A>G on the coding strand, the complement: DPYD is on the minus strand). VCF-style: chr1-97306173-T-C. GRCh37 (hg19) VCF-style: chr1-97771729-T-C.
Identifiers: ClinVar variation 680898 (VCV000680898.1), dbSNP rs746718279, ClinGen allele CA963115.